The following is an entry in ClinVar:

ClinVar aggregate classification (germline): Benign (1 of 4 stars; one submission).

Allele frequency attached by ClinVar (database versions not stated): 1000 Genomes Project 30x 0.51733; 1000 Genomes Project 0.52216; TOPMed 0.53699; gnomAD 0.57066.
gnomAD v4.1: 84,535 of 151,870 alleles (56%); highest among the groups gnomAD compares: Non-Finnish European, 63%; 24,159 homozygotes.

Submission:

GeneDx
Classification: Benign. Last evaluated: 2018-06-18. Review status: criteria provided, single submitter. Criteria: GeneDx Variant Classification (06012015). Collection method: clinical testing. Allele origin: germline. Affected: yes.
Comment: This variant is considered likely benign or benign based on one or more of the following criteria: it is a conservative change, it occurs at a poorly conserved position in the protein, it is predicted to be benign by multiple in silico algorithms, and/or has population frequency not consistent with disease.

NM_001035.3(RYR2):c.2397-296C>G

Gene: RYR2 (ryanodine receptor 2; plus strand). Cytogenetic location: 1q43.
Variant type: single nucleotide variant.
Coding change: c.2397-296C>G on transcript NM_001035.3 (MANE Select); 296 bases into the intron before coding-DNA position 2397, C replaced by G.
Molecular consequence: intron variant.
Genome position (GRCh38, 1-based): chr1:237,502,993, C>G. VCF-style: chr1-237502993-C-G. GRCh37 (hg19) VCF-style: chr1-237666293-C-G.
Identifiers: ClinVar variation 683773 (VCV000683773.1), dbSNP rs2618700, ClinGen allele CA10861570.